The following is an entry in ClinVar:

ClinVar aggregate classification (germline): Uncertain significance (1 of 4 stars; one submission).

Submission:

Labcorp Genetics (formerly Invitae), Labcorp
Classification: Uncertain significance. Last evaluated: 2022-06-13. Review status: criteria provided, single submitter. Criteria: Invitae Variant Classification Sherloc (09022015). Collection method: clinical testing. Allele origin: germline.
Comment: This sequence change replaces glutamic acid, which is acidic and polar, with lysine, which is basic and polar, at codon 1484 of the SZT2 protein (p.Glu1484Lys). This variant is not present in population databases (gnomAD no frequency). This variant has not been reported in the literature in individuals affected with SZT2-related conditions. Algorithms developed to predict the effect of missense changes on protein structure and function (SIFT, PolyPhen-2, Align-GVGD) all suggest that this variant is likely to be tolerated. In summary, the available evidence is currently insufficient to determine the role of this variant in disease. Therefore, it has been classified as a Variant of Uncertain Significance.

NM_001365999.1(SZT2):c.4621G>A (p.Glu1541Lys)

Gene: SZT2 (SZT2 subunit of KICSTOR complex; plus strand). Cytogenetic location: 1p34.2.
Variant type: single nucleotide variant.
Coding change: c.4621G>A on transcript NM_001365999.1 (MANE Select); coding-DNA position 4621, G replaced by A.
Protein change: p.Glu1541Lys; replaces glutamic acid 1541 with lysine.
Molecular consequence: missense variant.
Genome position (GRCh38, 1-based): chr1:43,430,636, G>A. VCF-style: chr1-43430636-G-A. GRCh37 (hg19) VCF-style: chr1-43896307-G-A.
Other names: c.4450G>A, p.Glu1484Lys (NM_015284.4); short protein forms E1541K, E1484K.
Identifiers: ClinVar variation 1493410 (VCV001493410.6), dbSNP rs2153933867, ClinGen allele CA340022336.